The following is an entry in ClinVar:

NM_194454.3(KRIT1):c.1731-3C>A

Gene: KRIT1 (KRIT1 ankyrin repeat containing; minus strand). Cytogenetic location: 7q21.2.
Variant type: single nucleotide variant.
Coding change: c.1731-3C>A on transcript NM_194454.3 (MANE Select); 3 bases into the intron before coding-DNA position 1731, C replaced by A.
Molecular consequence: intron variant.
Genome position (GRCh38, 1-based): chr7:92,213,982, G>T on the plus strand (C>A on the coding strand, the complement: KRIT1 is on the minus strand). VCF-style: chr7-92213982-G-T. GRCh37 (hg19) VCF-style: chr7-91843296-G-T.
Other names: c.1731-3C>A (NM_001350672.1, NM_001350676.1, NM_001350673.1 and 26 more transcripts); c.1587-3C>A (NM_001350669.1, NM_001013406.2, NM_001350670.1); c.1017-3C>A (NM_001350671.1).
Identifiers: ClinVar variation 590719 (VCV000590719.5), dbSNP rs1563243075, ClinGen allele CA891862787.

ClinVar aggregate classification (germline): Conflicting classifications of pathogenicity. Review status: criteria provided, conflicting classifications (1 of 4 stars). 2 submissions from 2 submitters: Likely pathogenic (1); Uncertain significance (1). Last evaluated 2024-04-10.

Conditions:
Cerebral cavernous malformation (CCM). Also called: Cavernous Hemangioma of Brain; Cerebral cavernous hemangioma (type); Cerebral cavernous malformations; CAVERNOUS ANGIOMA, FAMILIAL; CAVERNOUS ANGIOMATOUS MALFORMATIONS; CEREBRAL CAPILLARY MALFORMATIONS. Identifiers: Orphanet 221061, MedGen C2919945, MONDO:0000820, OMIM 116860, HP:0033522.

Submissions (2):

Labcorp Genetics (formerly Invitae), Labcorp
Classification: Uncertain significance for Cerebral cavernous malformation. Last evaluated: 2024-04-10. Review status: criteria provided, single submitter. Criteria: Invitae Variant Classification Sherloc (09022015). Collection method: clinical testing. Allele origin: germline.
Comment: This sequence change falls in intron 16 of the KRIT1 gene. It does not directly change the encoded amino acid sequence of the KRIT1 protein. It affects a nucleotide within the consensus splice site. This variant is not present in population databases (gnomAD no frequency). This variant has not been reported in the literature in individuals affected with KRIT1-related conditions. ClinVar contains an entry for this variant (Variation ID: 590719). Variants that disrupt the consensus splice site are a relatively common cause of aberrant splicing (PMID: 17576681, 9536098). Algorithms developed to predict the effect of sequence changes on RNA splicing suggest that this variant may disrupt the consensus splice site. In summary, the available evidence is currently insufficient to determine the role of this variant in disease. Therefore, it has been classified as a Variant of Uncertain Significance.

PreventionGenetics, part of Exact Sciences
Classification: Likely pathogenic. Last evaluated: 2021-09-23. Review status: criteria provided, single submitter. Criteria: ACMG Guidelines, 2015. Collection method: clinical testing. Allele origin: germline.

Literature cited by the submitters: PubMed 17576681 (cited by Labcorp Genetics (formerly Invitae), Labcorp); PubMed 9536098 (cited by Labcorp Genetics (formerly Invitae), Labcorp).